The following is an entry in ClinVar:

NM_001130009.3(GEN1):c.1676T>A (p.Val559Asp)

Gene: GEN1 (GEN1 structure-specific endonuclease; plus strand). Cytogenetic location: 2p24.2.
Variant type: single nucleotide variant.
Coding change: c.1676T>A on transcript NM_001130009.3 (MANE Select); coding-DNA position 1676, T replaced by A.
Protein change: p.Val559Asp; replaces valine 559 with aspartic acid.
Molecular consequence: missense variant.
Genome position (GRCh38, 1-based): chr2:17,780,888, T>A. VCF-style: chr2-17780888-T-A. GRCh37 (hg19) VCF-style: chr2-17962155-T-A.
Other names: c.1676T>A, p.Val559Asp (NM_182625.5); short protein forms V559D.
Identifiers: ClinVar variation 4842202 (VCV004842202.1).

ClinVar aggregate classification (germline): Uncertain significance (1 of 4 stars; one submission).

Submission:

Ambry Genetics
Classification: Uncertain significance. Last evaluated: 2025-12-29. Review status: criteria provided, single submitter. Criteria: Ambry Variant Classification Scheme 2023. Collection method: clinical testing. Allele origin: germline.
Comment: The p.V559D variant (also known as c.1676T>A), located in coding exon 13 of the GEN1 gene, results from a T to A substitution at nucleotide position 1676. The valine at codon 559 is replaced by aspartic acid, an amino acid with highly dissimilar properties. This amino acid position is conserved. In addition, this alteration is predicted to be tolerated by in silico analysis. Based on the available evidence, the clinical significance of this variant remains unclear.